The following is an entry in ClinVar:

NM_198239.2(CCN6):c.799dup (p.Thr267fs)

Gene: CCN6 (cellular communication network factor 6; plus strand). Cytogenetic location: 6q21.
Variant type: Duplication.
Coding change: c.799dup on transcript NM_198239.2 (MANE Select); coding-DNA position 799, one base duplicated (A; older notation c.799dupA).
Protein change: p.Thr267fs; shifts the reading frame from threonine 267.
Molecular consequence: frameshift variant. On other transcripts: non-coding transcript variant (2).
Genome position (GRCh38, 1-based): chr6:112,069,354, A duplicated; the last of 5 consecutive A bases (chr6:112,069,350-112,069,354); duplicating any one gives the same sequence. VCF-style (leftmost placement, unchanged base first): chr6-112069349-G-GA. GRCh37 (hg19) VCF-style: chr6-112390552-G-GA.
Other names: WISP3; c.799dup, p.Thr267fs (NM_003880.4); short protein forms T267fs.
Identifiers: ClinVar variation 869151 (VCV000869151.3), dbSNP rs1776805400, ClinGen allele CA916082893.
Genomic context (GRCh38, chr6:112,069,349, plus strand): 5'-ACTATTGTAATAAAATTTAAAGAATGACTTCATTTTATCTATCTTTTCAGATTCCCAAAG[G>GA]AAAAACATGCCAACCTACTTTCCAACTCTCCAAAGCTGAAAAATTTGTCTTTTCTGGATG-3'

ClinVar aggregate classification (germline): Pathogenic (1 of 4 stars; one submission).

Conditions:
Progressive pseudorheumatoid dysplasia (PPRD). Also called: SPONDYLOEPIPHYSEAL DYSPLASIA TARDA WITH PROGRESSIVE ARTHROPATHY; Progressive Pseudorheumatoid Arthropathy of Childhood. Identifiers: Orphanet 1159, MedGen C0432215, MONDO:0008827, OMIM 208230. Disease mechanism: loss of function.

Submission:

Breda Genetics srl
Classification: Pathogenic for Progressive pseudorheumatoid dysplasia. Last evaluated: 2019-11-29. Review status: criteria provided, single submitter. Criteria: ACMG Guidelines, 2015. Collection method: clinical testing. Allele origin: unknown. Inheritance: Autosomal recessive inheritance. Affected: yes. Observed: 1 variant allele, 1 homozygote.
Comment: The variant creates a shift in the reading frame which is predicted to result in a premature stop codon 12 amino acids downstream, which is likely to result in a truncated protein or protein loss due to nonsense-mediated messenger decay (NMD). This variant has not been reported in dbSNP, gnomAD, 1000 Genomes, NHLI Exome Sequencing Project (ESP) or ClinVar. Pathogenic variants may include small intragenic deletions/insertions and missense, nonsense, and splice site variants (PMID: 26610319).